The following is an entry in ClinVar:

NM_007294.4(BRCA1):c.4933A>T (p.Arg1645Trp)

Gene: BRCA1 (BRCA1 DNA repair associated; minus strand). Cytogenetic location: 17q21.31.
Variant type: single nucleotide variant.
Coding change: c.4933A>T on transcript NM_007294.4 (MANE Select); coding-DNA position 4933, A replaced by T.
Protein change: p.Arg1645Trp; replaces arginine 1645 with tryptophan.
Molecular consequence: missense variant. On other transcripts: non-coding transcript variant (1).
Genome position (GRCh38, 1-based): chr17:43,070,981, T>A on the plus strand (A>T on the coding strand, the complement: BRCA1 is on the minus strand). VCF-style: chr17-43070981-T-A. GRCh37 (hg19) VCF-style: chr17-41222998-T-A.
Other names: c.4792A>T, p.Arg1598Trp (NM_001407730.1, NM_001407731.1, NM_001407942.1 and 13 more transcripts); c.4789A>T, p.Arg1597Trp (NM_001407732.1, NM_001407743.1, NM_001407744.1 and 21 more transcripts); c.4786A>T, p.Arg1596Trp (NM_001407848.1, NM_001407849.1, NM_001407850.1 and 12 more transcripts); c.4933A>T, p.Arg1645Trp (NM_001407854.1, NM_001407593.1, NM_001407594.1 and 8 more transcripts); c.4930A>T, p.Arg1644Trp (NM_001407858.1, NM_001407859.1, NM_001407619.1 and 17 more transcripts); c.4723A>T, p.Arg1575Trp (NM_001407885.1, NM_001407886.1, NM_001407887.1 and 5 more transcripts); c.4720A>T, p.Arg1574Trp (NM_001407894.1, NM_001407895.1, NM_001407896.1 and 12 more transcripts); c.4717A>T, p.Arg1573Trp (NM_001407916.1, NM_001407917.1, NM_001407918.1 and 1 more transcripts); and 70 more; short protein forms R1598W, R1645W, R1666W, R541W, R1534W, R1557W, R1617W, R1618W.
Identifiers: ClinVar variation 868424 (VCV000868424.3), dbSNP rs80356926, ClinGen allele CA10591657.
Genomic context (GRCh38, chr17:43,070,981, plus strand): 5'-CACTCACAAATTCTTCTGGGGTCAGGCCAGACACCACCATGGACATTCTTTTGTTGACCC[T>A]TTCTGTTGAAGCTGTCAATTCTGGCTTCTCCCTGCTCACACTTTCTTCCATTGCATTATA-3'
Protein context (NP_009225.1, residues 1635-1655): EKPELTASTE[Arg1645Trp]VNKRMSMVVS

Conditions:
Breast-ovarian cancer, familial, susceptibility to, 1 (BROVCA1). Also called: BRCA1 Hereditary Breast and Ovarian Cancer; OVARIAN CANCER, SUSCEPTIBILITY TO. Identifiers: Orphanet 145, MedGen C2676676, MONDO:0011450, OMIM 604370. Disease mechanism: loss of function.

Submission:

Brotman Baty Institute, University of Washington
No classification provided (evidence only). Condition: Breast-ovarian cancer, familial 1. Review status: no classification provided. Collection method: in vitro. Allele origin: not applicable. Functional consequence: functionally_normal.
ClinVar note: "not provided" was previously submitted as the classification for the variant. However, the classification appeared to be based only on an observation of functional data so it was converted to no classification on 2025-07-30.